The following is an entry in ClinVar:

NM_015474.4(SAMHD1):c.181G>T (p.Glu61Ter)

Gene: SAMHD1 (SAM and HD domain containing deoxynucleoside triphosphate triphosphohydrolase 1; minus strand). Cytogenetic location: 20q11.23.
Variant type: single nucleotide variant.
Coding change: c.181G>T on transcript NM_015474.4 (MANE Select); coding-DNA position 181, G replaced by T.
Protein change: p.Glu61Ter; replaces glutamic acid 61 with a stop codon.
Molecular consequence: nonsense.
Genome position (GRCh38, 1-based): chr20:36,951,463, C>A on the plus strand (G>T on the coding strand, the complement: SAMHD1 is on the minus strand). VCF-style: chr20-36951463-C-A. GRCh37 (hg19) VCF-style: chr20-35579866-C-A.
Other names: c.181G>T, p.Glu61Ter (NM_001363729.2, NM_001363733.2); short protein forms E61*.
Identifiers: ClinVar variation 1417058 (VCV001417058.6), dbSNP rs747918559, ClinGen allele CA408831934.

ClinVar aggregate classification (germline): Pathogenic (1 of 4 stars; one submission).

Conditions:
Aicardi-Goutieres syndrome 5. Identifiers: Orphanet 51, MedGen C2749659, MONDO:0013059, OMIM 612952.

Allele frequency attached by ClinVar (database versions not stated): TOPMed below 0.00001.

Submission:

Labcorp Genetics (formerly Invitae), Labcorp
Classification: Pathogenic for Aicardi-Goutieres syndrome 5. Last evaluated: 2021-03-17. Review status: criteria provided, single submitter. Criteria: Invitae Variant Classification Sherloc (09022015). Collection method: clinical testing. Allele origin: germline.
Comment: For these reasons, this variant has been classified as Pathogenic. This variant has not been reported in the literature in individuals with SAMHD1-related conditions. This variant is not present in population databases (ExAC no frequency). This sequence change creates a premature translational stop signal (p.Glu61*) in the SAMHD1 gene. It is expected to result in an absent or disrupted protein product. Loss-of-function variants in SAMHD1 are known to be pathogenic (PMID: 19525956, 22461318).

Literature cited by the submitters: PubMed 19525956; PubMed 22461318.